The following is an entry in ClinVar:

ClinVar aggregate classification (germline): Uncertain significance (1 of 4 stars; one submission).

Conditions:
PLXNA4-related disorder. Also called: PLXNA4-related condition.

gnomAD v4.1: 2 of 1,614,122 alleles (0.00012%); highest among the groups gnomAD compares: South Asian, 0.0011%; no homozygotes.

Submission:

PreventionGenetics, part of Exact Sciences
Classification: Uncertain significance for PLXNA4-related condition. Last evaluated: 2026-05-13. Review status: criteria provided, single submitter. Criteria: ACMG Guidelines, 2015. Collection method: clinical testing. Allele origin: germline.
Comment: The PLXNA4 c.4773T>A variant is predicted to result in the amino acid substitution p.Asp1591Glu. To our knowledge, this variant has not been reported in the literature. This variant is reported in 0.0018% of alleles in individuals of European (Non-Finnish) descent in gnomAD. At this time, the clinical significance of this variant is uncertain due to the absence of conclusive functional and genetic evidence.

NM_020911.2(PLXNA4):c.4773T>A (p.Asp1591Glu)

Gene: PLXNA4 (plexin A4; minus strand). Cytogenetic location: 7q32.3.
Variant type: single nucleotide variant.
Coding change: c.4773T>A on transcript NM_020911.2 (MANE Select); coding-DNA position 4773, T replaced by A.
Protein change: p.Asp1591Glu; replaces aspartic acid 1591 with glutamic acid.
Molecular consequence: missense variant.
Genome position (GRCh38, 1-based): chr7:132,147,991, A>T on the plus strand (T>A on the coding strand, the complement: PLXNA4 is on the minus strand). VCF-style: chr7-132147991-A-T. GRCh37 (hg19) VCF-style: chr7-131832750-A-T.
Other names: c.4773T>A, p.Asp1591Glu (NM_001393897.1); short protein forms D1591E.
Identifiers: ClinVar variation 4992729 (VCV004992729.1).